The following is an entry in ClinVar:

NM_000217.3(KCNA1):c.853G>C (p.Ala285Pro)

Gene: KCNA1 (potassium voltage-gated channel subfamily A member 1; plus strand). Cytogenetic location: 12p13.32.
Variant type: single nucleotide variant.
Coding change: c.853G>C on transcript NM_000217.3 (MANE Select); coding-DNA position 853, G replaced by C.
Protein change: p.Ala285Pro; replaces alanine 285 with proline.
Molecular consequence: missense variant.
Genome position (GRCh38, 1-based): chr12:4,912,231, G>C. VCF-style: chr12-4912231-G-C. GRCh37 (hg19) VCF-style: chr12-5021397-G-C.
Other names: short protein forms A285P.
Identifiers: ClinVar variation 3778751 (VCV003778751.2).

ClinVar aggregate classification (germline): Uncertain significance (1 of 4 stars; one submission).

Conditions:
Episodic ataxia type 1 (EA1). Also called: ATAXIA, EPISODIC, WITH MYOKYMIA; MYOKYMIA WITH PERIODIC ATAXIA; PAROXYSMAL ATAXIA WITH NEUROMYOTONIA, HEREDITARY; Episodic ataxia/myokymia syndrome. Identifiers: Orphanet 37612, Orphanet 972, MedGen C1719788, MONDO:0008047, OMIM 160120.

Submission:

Institute of Human Genetics, University of Leipzig Medical Center
Classification: Uncertain significance for Episodic ataxia type 1. Last evaluated: 2025-04-17. Review status: criteria provided, single submitter. Criteria: ACMG Guidelines, 2015. Collection method: clinical testing. Allele origin: maternal. Inheritance: Autosomal dominant inheritance. Affected: yes.
Comment: Criteria applied: PM2,PP2,PP3